The following is an entry in ClinVar:

ClinVar aggregate classification (germline): Uncertain significance (1 of 4 stars; one submission).

Submission:

Labcorp Genetics (formerly Invitae), Labcorp
Classification: Uncertain significance. Last evaluated: 2025-02-28. Review status: criteria provided, single submitter. Criteria: Invitae Variant Classification Sherloc (09022015). Collection method: clinical testing. Allele origin: germline.
Comment: This sequence change replaces aspartic acid, which is acidic and polar, with glycine, which is neutral and non-polar, at codon 140 of the TAF1 protein (p.Asp140Gly). This variant is not present in population databases (gnomAD no frequency). This variant has not been reported in the literature in individuals affected with TAF1-related conditions. Invitae Evidence Modeling of protein sequence and biophysical properties (such as structural, functional, and spatial information, amino acid conservation, physicochemical variation, residue mobility, and thermodynamic stability) indicates that this missense variant is not expected to disrupt TAF1 protein function with a negative predictive value of 80%. In summary, the available evidence is currently insufficient to determine the role of this variant in disease. Therefore, it has been classified as a Variant of Uncertain Significance.

NM_004606.5(TAF1):c.359A>G (p.Asp120Gly)

Gene: TAF1 (TATA-box binding protein associated factor 1; plus strand). Cytogenetic location: Xq13.1.
Variant type: single nucleotide variant.
Coding change: c.359A>G on transcript NM_004606.5 (MANE Select); coding-DNA position 359, A replaced by G.
Protein change: p.Asp120Gly; replaces aspartic acid 120 with glycine.
Molecular consequence: missense variant. On other transcripts: non-coding transcript variant (9).
Genome position (GRCh38, 1-based): chrX:71,375,173, A>G. VCF-style: chrX-71375173-A-G. GRCh37 (hg19) VCF-style: chrX-70595023-A-G.
Other names: c.359A>G, p.Asp120Gly (NM_001286074.2, NM_138923.4); short protein forms D120G.
Identifiers: ClinVar variation 3609919 (VCV003609919.2).
Genomic context (GRCh38, chrX:71,375,173, plus strand): 5'-GGCGGTTGTATAATATTTTGGATATTGAGGAGATCACCTTCTTGGTTTTATTAGATTATG[A>G]TGAAGATGACTATGATGCTGATTGTGAAGACATTGATTGCAAGTTGATGCCTCCTCCACC-3'
Protein context (NP_004597.3, residues 110-130): SLQPLCHSDY[Asp120Gly]EDDYDADCED